The following is an entry in ClinVar:

ClinVar aggregate classification (germline): Uncertain significance (1 of 4 stars; one submission).

Conditions:
Neuropathy, hereditary sensory and autonomic, type 2A (HSAN2A). Also called: ACROOSTEOLYSIS, GIACCAI TYPE; ACROOSTEOLYSIS, NEUROGENIC; NEUROPATHY, CONGENITAL SENSORY; NEUROPATHY, HEREDITARY SENSORY RADICULAR, AUTOSOMAL RECESSIVE; NEUROPATHY, HEREDITARY SENSORY, TYPE IIA; NEUROPATHY, PROGRESSIVE SENSORY, OF CHILDREN. Identifiers: Orphanet 970, MedGen C2752089, MONDO:0024309, OMIM 201300.
Generalized epilepsy with febrile seizures plus, type 7 (GEFSP7). Also called: GEFS+, TYPE 7. Identifiers: Orphanet 36387, MedGen C2751778, MONDO:0013470, OMIM 613863.

Submission:

Labcorp Genetics (formerly Invitae), Labcorp
Classification: Uncertain significance for Neuropathy, hereditary sensory and autonomic, type 2A; Generalized epilepsy with febrile seizures plus, type 7. Last evaluated: 2021-10-16. Review status: criteria provided, single submitter. Criteria: Invitae Variant Classification Sherloc (09022015). Collection method: clinical testing. Allele origin: germline.
Comment: In summary, the available evidence is currently insufficient to determine the role of this variant in disease. Therefore, it has been classified as a Variant of Uncertain Significance. Nucleotide substitutions within the consensus splice site are a relatively common cause of aberrant splicing (PMID: 17576681, 9536098). Algorithms developed to predict the effect of sequence changes on RNA splicing suggest that this variant may disrupt the consensus splice site, but this prediction has not been confirmed by published transcriptional studies. This variant has not been reported in the literature in individuals with SCN9A-related conditions. This variant is not present in population databases (ExAC no frequency). This sequence change affects codon 1490 of the SCN9A mRNA. It is a 'silent' change, meaning that it does not change the encoded amino acid sequence of the SCN9A protein. This variant also falls at the last nucleotide of exon 25, which is part of the consensus splice site for this exon.

Literature cited by the submitters: PubMed 17576681; PubMed 9536098.

NM_001365536.1(SCN9A):c.4503G>C (p.Gly1501=)

Genes: SCN1A-AS1 (SCN1A and SCN9A antisense RNA 1; plus strand), SCN9A (sodium voltage-gated channel alpha subunit 9; minus strand). Cytogenetic location: 2q24.3.
Variant type: single nucleotide variant.
Coding change: c.4503G>C on transcript NM_001365536.1 (MANE Select); coding-DNA position 4503, G replaced by C.
Protein change: p.Gly1501=; no amino-acid change (glycine 1501 retained).
Molecular consequence: synonymous variant.
Genome position (GRCh38, 1-based): chr2:166,204,360, C>G on the plus strand (G>C on the coding strand, the complement: SCN9A is on the minus strand). VCF-style: chr2-166204360-C-G. GRCh37 (hg19) VCF-style: chr2-167060870-C-G.
Other names: c.4470G>C, p.Gly1490= (NM_002977.4).
Identifiers: ClinVar variation 1390658 (VCV001390658.6), dbSNP rs2106346896, ClinGen allele CA429893517.